The following is an entry in ClinVar:

NM_018122.5(DARS2):c.598T>C (p.Tyr200His)

Gene: DARS2 (aspartyl-tRNA synthetase 2, mitochondrial; plus strand). Cytogenetic location: 1q25.1.
Variant type: single nucleotide variant.
Coding change: c.598T>C on transcript NM_018122.5 (MANE Select); coding-DNA position 598, T replaced by C.
Protein change: p.Tyr200His; replaces tyrosine 200 with histidine.
Molecular consequence: missense variant.
Genome position (GRCh38, 1-based): chr1:173,833,481, T>C. VCF-style: chr1-173833481-T-C. GRCh37 (hg19) VCF-style: chr1-173802619-T-C.
Other names: p.Tyr200His; c.598T>C, p.Tyr200His (NM_001365212.1, NM_001365213.2); short protein forms Y200H.
Identifiers: ClinVar variation 3380192 (VCV003380192.1).
Genomic context (GRCh38, chr1:173,833,481, plus strand): 5'-AGTTTCCAAATGCAGTATAACCTGCGACTGAGGTCCCAGATGGTCATGAAAATGCGGGAA[T>C]ATCTCTGTAATCTGCATGGTAAGAGAAATGCCTGGATGCTCTTTGGAGCTTTGTAGCATC-3'
Protein context (NP_060592.2, residues 190-210): RSQMVMKMRE[Tyr200His]LCNLHGFVDI

ClinVar aggregate classification (germline): Uncertain significance (1 of 4 stars; one submission).

gnomAD v4.1: 1 of 1,614,174 alleles (0.000062%); highest among the groups gnomAD compares: African/African-American, 0.0013%; no homozygotes.

Submission:

Mayo Clinic Laboratories, Mayo Clinic
Classification: Uncertain significance. Last evaluated: 2024-06-07. Review status: criteria provided, single submitter. Criteria: ACMG Guidelines, 2015. Collection method: clinical testing. Allele origin: germline. Observed: 1 variant allele.
Comment: PM2, PM3_supporting